The following is an entry in ClinVar:

ClinVar aggregate classification (germline): Pathogenic (1 of 4 stars; one submission).

Submission:

Labcorp Genetics (formerly Invitae), Labcorp
Classification: Pathogenic. Last evaluated: 2025-06-09. Review status: criteria provided, single submitter. Criteria: Invitae Variant Classification Sherloc (09022015). Collection method: clinical testing. Allele origin: germline.
Comment: This sequence change creates a premature translational stop signal (p.Glu191*) in the NEXMIF gene. It is expected to result in an absent or disrupted protein product. Loss-of-function variants in NEXMIF are known to be pathogenic (PMID: 23615299). This variant is not present in population databases (gnomAD no frequency). This variant has not been reported in the literature in individuals affected with NEXMIF-related conditions. ClinVar contains an entry for this variant (Variation ID: 1454782). For these reasons, this variant has been classified as Pathogenic.

Literature cited by the submitters: PubMed 23615299.

NM_001008537.3(NEXMIF):c.571G>T (p.Glu191Ter)

Gene: NEXMIF (neurite extension and migration factor; minus strand). Cytogenetic location: Xq13.3.
Variant type: single nucleotide variant.
Coding change: c.571G>T on transcript NM_001008537.3 (MANE Select); coding-DNA position 571, G replaced by T.
Protein change: p.Glu191Ter; replaces glutamic acid 191 with a stop codon.
Molecular consequence: nonsense.
Genome position (GRCh38, 1-based): chrX:74,743,986, C>A on the plus strand (G>T on the coding strand, the complement: NEXMIF is on the minus strand). VCF-style: chrX-74743986-C-A. GRCh37 (hg19) VCF-style: chrX-73963821-C-A.
Other names: short protein forms E191*.
Identifiers: ClinVar variation 1454782 (VCV001454782.6), dbSNP rs2147441539, ClinGen allele CA413673033.